The following is an entry in ClinVar:

NM_025137.4(SPG11):c.5249_5252del (p.Ser1750fs)

Genes: SPG11 (SPG11 vesicle trafficking associated, spatacsin; minus strand), LOC130056971 (ATAC-STARR-seq lymphoblastoid silent region 6398; plus strand). Cytogenetic location: 15q21.1.
Variant type: Deletion.
Coding change: c.5249_5252del on transcript NM_025137.4 (MANE Select); coding-DNA positions 5249 to 5252, 4 bases deleted (CCTT; older notation c.5249_5252delCCTT).
Protein change: p.Ser1750fs; shifts the reading frame from serine 1750.
Molecular consequence: frameshift variant. On other transcripts: intron variant (1).
Genome position (GRCh38, 1-based): chr15:44,584,428-44,584,431, AAGG deleted on the plus strand (CCTT on the coding strand, the reverse complement: SPG11 is on the minus strand); deleting any 4 consecutive bases within chr15:44,584,428-44,584,434 gives the same sequence; the c. name uses the placement nearest the transcript's 3' end. VCF-style (leftmost placement, unchanged base first): chr15-44584427-AAAGG-A. GRCh37 (hg19) VCF-style: chr15-44876625-AAAGG-A.
Other names: c.5249_5252del, p.Ser1750fs (NM_001160227.2); c.5122-17_5122-14del (NM_001411132.1); short protein forms S1750fs.
Identifiers: ClinVar variation 2704070 (VCV002704070.3), dbSNP rs933508115, ClinGen allele CA270080363.

ClinVar aggregate classification (germline): Pathogenic (1 of 4 stars; one submission).

Conditions:
Hereditary spastic paraplegia 11. Also called: Nakamura Osame syndrome; Autosomal recessive hereditary spastic paraplegia, mental impairment, and thin corpus callosum; SPASTIC PARAPLEGIA, AUTOSOMAL RECESSIVE, COMPLICATED, WITH THIN CORPUS CALLOSUM; SPASTIC PARAPLEGIA, AUTOSOMAL RECESSIVE, WITH MENTAL IMPAIRMENT AND THIN CORPUS CALLOSUM; Spastic Paraplegia 11; Spastic paraplegia, mental retardation and thin corpus callosum. Identifiers: Orphanet 2822, MedGen C1858479, MONDO:0011445, OMIM 604360.

Submission:

Labcorp Genetics (formerly Invitae), Labcorp
Classification: Pathogenic for Hereditary spastic paraplegia 11. Last evaluated: 2023-12-19. Review status: criteria provided, single submitter. Criteria: Invitae Variant Classification Sherloc (09022015). Collection method: clinical testing. Allele origin: germline.
Comment: This sequence change creates a premature translational stop signal (p.Ser1750Phefs*87) in the SPG11 gene. It is expected to result in an absent or disrupted protein product. Loss-of-function variants in SPG11 are known to be pathogenic (PMID: 19105190, 20110243, 22154821, 26556829). This variant is not present in population databases (gnomAD no frequency). This variant has not been reported in the literature in individuals affected with SPG11-related conditions. For these reasons, this variant has been classified as Pathogenic.

Literature cited by the submitters: PubMed 19105190; PubMed 20110243; PubMed 22154821; PubMed 26556829.